The following is an entry in ClinVar:

ClinVar aggregate classification (germline): Conflicting classifications of pathogenicity. Review status: criteria provided, conflicting classifications (1 of 4 stars). 5 submissions from 5 submitters: Uncertain significance (4); Likely benign (1). Last evaluated 2026-07-20.

Conditions:
WNK1-related disorder. Also called: WNK1-related condition.
Inborn genetic diseases. Identifiers: MedGen C0950123, MeSH D030342.
Pseudohypoaldosteronism type 2C (PHA2C). Also called: Pseudohypoaldosteronism Type IIC. Identifiers: Orphanet 757, Orphanet 88940, MedGen C1840391, MONDO:0013778, OMIM 614492.
Neuropathy, hereditary sensory and autonomic, type 2A (HSAN2A). Also called: ACROOSTEOLYSIS, GIACCAI TYPE; ACROOSTEOLYSIS, NEUROGENIC; WNK1-Related HSAN2 (HSAN2A); HSAN IIA; MORVAN DISEASE; NEUROPATHY, CONGENITAL SENSORY. Identifiers: Orphanet 970, MedGen C2752089, MONDO:0024309, OMIM 201300.

Allele frequency attached by ClinVar (database versions not stated): TOPMed 0.00007; gnomAD 0.00009; gnomAD exomes 0.00011 and 0.00012; 1000 Genomes Project 30x 0.00016; ESP Exome Variant Server 0.00017; ExAC 0.00018; 1000 Genomes Project 0.00020.
gnomAD v4.1: 191 of 1,613,924 alleles (0.012%); highest among the groups gnomAD compares: Non-Finnish European, 0.015%; no homozygotes.

Submissions (5):

PreventionGenetics, part of Exact Sciences
Classification: Uncertain significance for WNK1-related condition. Last evaluated: 2026-07-20. Review status: criteria provided, single submitter. Criteria: ACMG Guidelines, 2015. Collection method: clinical testing. Allele origin: germline.
Comment: The WNK1 c.2852C>T variant is predicted to result in the amino acid substitution p.Ala951Val. To our knowledge, this variant has not been reported in the literature. This variant is reported in 0.020% of alleles in individuals of European (Non-Finnish) descent in gnomAD. Although we suspect that this variant may be benign, at this time, the clinical significance of this variant is uncertain due to the absence of conclusive functional and genetic evidence.

GeneDx
Classification: Uncertain significance. Last evaluated: 2025-09-24. Review status: criteria provided, single submitter. Criteria: GeneDx Variant Classification Process June 2021. Collection method: clinical testing. Allele origin: germline. Affected: yes.
Comment: In silico analysis suggests that this missense variant does not alter protein structure/function; Has not been previously published as pathogenic or benign to our knowledge

Labcorp Genetics (formerly Invitae), Labcorp
Classification: Likely benign for Neuropathy, hereditary sensory and autonomic, type 2A; Pseudohypoaldosteronism type 2C. Last evaluated: 2025-09-10. Review status: criteria provided, single submitter. Criteria: Invitae Variant Classification Sherloc (09022015). Collection method: clinical testing. Allele origin: germline.

Mayo Clinic Laboratories, Mayo Clinic
Classification: Uncertain significance. Last evaluated: 2022-02-11. Review status: criteria provided, single submitter. Criteria: ACMG Guidelines, 2015. Collection method: clinical testing. Allele origin: germline. Observed: 2 variant alleles.
Comment: BP4

Ambry Genetics
Classification: Uncertain significance for Inborn genetic diseases. Last evaluated: 2020-06-29. Review status: criteria provided, single submitter. Criteria: Ambry Variant Classification Scheme 2023. Collection method: clinical testing. Allele origin: germline.
Comment: The p.A1036V variant (also known as c.3107C>T), located in coding exon 10 of the WNK1 gene, results from a C to T substitution at nucleotide position 3107. The alanine at codon 1036 is replaced by valine, an amino acid with similar properties. This amino acid position is highly conserved in available vertebrate species. In addition, the in silico prediction for this alteration is inconclusive. Since supporting evidence is limited at this time, the clinical significance of this alteration remains unclear.

NM_213655.5(WNK1):c.3107C>T (p.Ala1036Val)

Gene: WNK1 (WNK lysine deficient protein kinase 1; plus strand). Cytogenetic location: 12p13.33.
Variant type: single nucleotide variant.
Coding change: c.3107C>T on transcript NM_213655.5 (MANE Plus Clinical); coding-DNA position 3107, C replaced by T.
Protein change: p.Ala1036Val; replaces alanine 1036 with valine.
Molecular consequence: missense variant. On other transcripts: intron variant (2).
Genome position (GRCh38, 1-based): chr12:868,578, C>T. VCF-style: chr12-868578-C-T. GRCh37 (hg19) VCF-style: chr12-977744-C-T.
Other names: p.Ala1036Val; c.2852C>T (NM_001184985.1); c.2852C>T, p.Ala951Val (NM_001184985.2); c.2140-2687C>T (NM_018979.4, NM_014823.3); short protein forms A1036V, A951V.
Identifiers: ClinVar variation 837006 (VCV000837006.19), dbSNP rs187534119, ClinGen allele CA6382302.